The following is an entry in ClinVar:

NM_000421.5(KRT10):c.1681_1683dup (p.Ser563dup)

Gene: KRT10 (keratin 10; minus strand). Cytogenetic location: 17q21.2.
Variant type: Duplication.
Coding change: c.1681_1683dup on transcript NM_000421.5 (MANE Select); coding-DNA positions 1681 to 1683, 3 bases duplicated (AGC; older notation c.1681_1683dupAGC).
Protein change: p.Ser563dup; duplicates serine 563.
Molecular consequence: inframe insertion.
Genome position (GRCh38, 1-based): chr17:40,818,852-40,818,854, GCT duplicated on the plus strand (AGC on the coding strand, the reverse complement: KRT10 is on the minus strand); duplicating any 3 consecutive bases within chr17:40,818,852-40,818,856 gives the same sequence; the c. name uses the placement nearest the transcript's 3' end. VCF-style (leftmost placement, unchanged base first): chr17-40818851-A-AGCT. GRCh37 (hg19) VCF-style: chr17-38975103-A-AGCT.
Other names: c.1681_1683dup, p.Ser563dup (NM_001379366.1).
Identifiers: ClinVar variation 1319423 (VCV001319423.11), dbSNP rs1555548360, ClinGen allele CA8547897.

ClinVar aggregate classification (germline): Uncertain significance. Review status: criteria provided, multiple submitters, no conflicts (2 of 4 stars). 3 submissions from 3 submitters: Uncertain significance (3). Last evaluated 2024-12-18.

Submissions (3):

GeneDx
Classification: Uncertain significance. Last evaluated: 2024-12-18. Review status: criteria provided, single submitter. Criteria: GeneDx Variant Classification Process June 2021. Collection method: clinical testing. Allele origin: germline.
Comment: Has not been previously published as pathogenic or benign to our knowledge; In-frame deletion of 1 amino acid in a non-repeat region; Not observed at significant frequency in large population cohorts (gnomAD)

Labcorp Genetics (formerly Invitae), Labcorp
Classification: Uncertain significance. Last evaluated: 2024-07-29. Review status: criteria provided, single submitter. Criteria: Invitae Variant Classification Sherloc (09022015). Collection method: clinical testing. Allele origin: germline.
Comment: This variant, c.1681_1683dup, results in the insertion of 1 amino acid(s) of the KRT10 protein (p.Ser563dup), but otherwise preserves the integrity of the reading frame. This variant is not present in population databases (gnomAD no frequency). This variant has not been reported in the literature in individuals affected with KRT10-related conditions. ClinVar contains an entry for this variant (Variation ID: 1319423). Experimental studies and prediction algorithms are not available or were not evaluated, and the functional significance of this variant is currently unknown. In summary, the available evidence is currently insufficient to determine the role of this variant in disease. Therefore, it has been classified as a Variant of Uncertain Significance.

Institute for Clinical Genetics, University Hospital TU Dresden, University Hospital TU Dresden
Classification: Uncertain significance. Last evaluated: 2021-11-03. Review status: criteria provided, single submitter. Criteria: ACMG Guidelines, 2015. Collection method: clinical testing. Allele origin: germline.